The following is an entry in ClinVar:

NM_152564.5(VPS13B):c.10000_10019dup (p.Pro3341fs)

Gene: VPS13B (vacuolar protein sorting 13 homolog B; plus strand). Cytogenetic location: 8q22.2.
Variant type: Duplication.
Coding change: c.10000_10019dup on transcript NM_152564.5 (MANE Select); coding-DNA positions 10000 to 10019, 20 bases duplicated (ACAGTCTTCATCACTGTGGC).
Protein change: p.Pro3341fs; shifts the reading frame from proline 3341.
Molecular consequence: frameshift variant.
Genome position (GRCh38, 1-based): chr8:99,848,833-99,848,852, ACAGTCTTCATCACTGTGGC duplicated; duplicating any 20 consecutive bases within chr8:99,848,827-99,848,852 gives the same sequence; the c. name uses the placement nearest the transcript's 3' end. VCF-style (leftmost placement, unchanged base first): chr8-99848826-G-GTGTGGCACAGTCTTCATCAC. GRCh37 (hg19) VCF-style: chr8-100861054-G-GTGTGGCACAGTCTTCATCAC.
Other names: c.10075_10094dup, p.Pro3366fs (NM_017890.5); short protein forms P3341fs, P3366fs.
Identifiers: ClinVar variation 1434030 (VCV001434030.6), dbSNP rs2130902516, ClinGen allele CA2573143611.

ClinVar aggregate classification (germline): Pathogenic (1 of 4 stars; one submission).

Conditions:
Cohen syndrome (COH1). Also called: PEPPER SYNDROME; Cutis verticis gyrata, retinitis pigmentosa, and sensorineural deafness. Identifiers: Orphanet 193, MedGen C0265223, MONDO:0008999, OMIM 216550.

Submission:

Labcorp Genetics (formerly Invitae), Labcorp
Classification: Pathogenic for Cohen syndrome. Last evaluated: 2021-04-28. Review status: criteria provided, single submitter. Criteria: Invitae Variant Classification Sherloc (09022015). Collection method: clinical testing. Allele origin: germline.
Comment: This sequence change creates a premature translational stop signal (p.Pro3366Glnfs*16) in the VPS13B gene. It is expected to result in an absent or disrupted protein product. Loss-of-function variants in VPS13B are known to be pathogenic (PMID: 15141358, 16648375, 20461111). For these reasons, this variant has been classified as Pathogenic. Algorithms developed to predict the effect of sequence changes on RNA splicing suggest that this variant may create or strengthen a splice site, but this prediction has not been confirmed by published transcriptional studies. This variant has not been reported in the literature in individuals with VPS13B-related conditions. This variant is not present in population databases (ExAC no frequency).

Literature cited by the submitters: PubMed 15141358; PubMed 16648375; PubMed 20461111.